The following is an entry in ClinVar:

NM_001371928.1(AHDC1):c.1007C>A (p.Pro336His)

Gene: AHDC1 (AT-hook DNA binding motif containing 1; minus strand). Cytogenetic location: 1p36.11.
Variant type: single nucleotide variant.
Coding change: c.1007C>A on transcript NM_001371928.1 (MANE Select); coding-DNA position 1007, C replaced by A.
Protein change: p.Pro336His; replaces proline 336 with histidine.
Molecular consequence: missense variant.
Genome position (GRCh38, 1-based): chr1:27,551,109, G>T on the plus strand (C>A on the coding strand, the complement: AHDC1 is on the minus strand). VCF-style: chr1-27551109-G-T. GRCh37 (hg19) VCF-style: chr1-27877620-G-T.
Other names: c.1007C>A, p.Pro336His (NM_001029882.3); short protein forms P336H.
Identifiers: ClinVar variation 2096233 (VCV002096233.6), dbSNP rs758838935, ClinGen allele CA716043.
Genomic context (GRCh38, chr1:27,551,109, plus strand): 5'-TGCCCCAGGGGCTGCTGGGGCTCCAGACGGCGACCTGGGACGTCAAGCAGCTTGGGCAGG[G>T]GGTCGAGTGCCTGGGGGTCAAGCAGCTGCGACTCCAAGGAGTCAGGCAGGGTGTCCAGGG-3'
Protein context (NP_001358857.1, residues 326-346): SQLLDPQALD[Pro336His]LPKLLDVPGR

ClinVar aggregate classification (germline): Conflicting classifications of pathogenicity. Review status: criteria provided, conflicting classifications (1 of 4 stars). 2 submissions from 2 submitters: Uncertain significance (1); Likely benign (1). Last evaluated 2025-01-13.

Allele frequency attached by ClinVar (database versions not stated): gnomAD exomes 0.00001; ExAC 0.00007.
gnomAD v4.1: 6 of 1,581,830 alleles (0.00038%); highest among the groups gnomAD compares: Non-Finnish European, 0.00052%; no homozygotes.

Submissions (2):

Women's Health and Genetics/Laboratory Corporation of America, LabCorp
Classification: Uncertain significance. Last evaluated: 2025-01-13. Review status: criteria provided, single submitter. Criteria: LabCorp Variant Classification Summary - May 2015. Collection method: clinical testing. Allele origin: germline.
Comment: Variant summary: AHDC1 c.1007C>A (p.Pro336His) results in a non-conservative amino acid change in the encoded protein sequence. Three of five in-silico tools predict a damaging effect of the variant on protein function. The variant allele was found at a frequency of 2e-05 in 200330 control chromosomes. The available data on variant occurrences in the general population are insufficient to allow any conclusion about variant significance. To our knowledge, no occurrence of c.1007C>A in individuals affected with Xia-Gibbs Syndrome and no experimental evidence demonstrating its impact on protein function have been reported. ClinVar contains an entry for this variant (Variation ID: 2096233). Based on the evidence outlined above, the variant was classified as uncertain significance.

Labcorp Genetics (formerly Invitae), Labcorp
Classification: Likely benign. Last evaluated: 2022-08-09. Review status: criteria provided, single submitter. Criteria: Invitae Variant Classification Sherloc (09022015). Collection method: clinical testing. Allele origin: germline.